The following is an entry in ClinVar:

NM_001252024.2(TRPM1):c.1571C>G (p.Thr524Arg)

Gene: TRPM1 (transient receptor potential cation channel subfamily M member 1; minus strand). Cytogenetic location: 15q13.3.
Variant type: single nucleotide variant.
Coding change: c.1571C>G on transcript NM_001252024.2 (MANE Select); coding-DNA position 1571, C replaced by G.
Protein change: p.Thr524Arg; replaces threonine 524 with arginine.
Molecular consequence: missense variant.
Genome position (GRCh38, 1-based): chr15:31,049,376, G>C on the plus strand (C>G on the coding strand, the complement: TRPM1 is on the minus strand). VCF-style: chr15-31049376-G-C. GRCh37 (hg19) VCF-style: chr15-31341579-G-C.
Other names: c.1622C>G, p.Thr541Arg (NM_001252020.2); c.1505C>G, p.Thr502Arg (NM_002420.6); short protein forms T524R, T502R, T541R.
Identifiers: ClinVar variation 2090318 (VCV002090318.4), dbSNP rs2504145322, ClinGen allele CA391516709.

ClinVar aggregate classification (germline): Uncertain significance (1 of 4 stars; one submission).

Submission:

Labcorp Genetics (formerly Invitae), Labcorp
Classification: Uncertain significance. Last evaluated: 2022-01-27. Review status: criteria provided, single submitter. Criteria: Invitae Variant Classification Sherloc (09022015). Collection method: clinical testing. Allele origin: germline.
Comment: In summary, the available evidence is currently insufficient to determine the role of this variant in disease. Therefore, it has been classified as a Variant of Uncertain Significance. Algorithms developed to predict the effect of missense changes on protein structure and function (SIFT, PolyPhen-2, Align-GVGD) all suggest that this variant is likely to be disruptive. This variant has not been reported in the literature in individuals affected with TRPM1-related conditions. This variant is not present in population databases (gnomAD no frequency). This sequence change replaces threonine, which is neutral and polar, with arginine, which is basic and polar, at codon 502 of the TRPM1 protein (p.Thr502Arg).